The following is an entry in ClinVar:

NM_012433.4(SF3B1):c.2931A>G (p.Val977=)

Gene: SF3B1 (splicing factor 3b subunit 1; minus strand). Cytogenetic location: 2q33.1.
Variant type: single nucleotide variant.
Coding change: c.2931A>G on transcript NM_012433.4 (MANE Select); coding-DNA position 2931, A replaced by G.
Protein change: p.Val977=; no amino-acid change (valine 977 retained).
Molecular consequence: synonymous variant.
Genome position (GRCh38, 1-based): chr2:197,400,137, T>C on the plus strand (A>G on the coding strand, the complement: SF3B1 is on the minus strand). VCF-style: chr2-197400137-T-C. GRCh37 (hg19) VCF-style: chr2-198264861-T-C.
Identifiers: ClinVar variation 3042526 (VCV003042526.2), dbSNP rs199700456, ClinGen allele CA2042473.

ClinVar aggregate classification (germline): Likely benign (0 of 4 stars; one submission).

Conditions:
SF3B1-related disorder. Also called: SF3B1-related condition.

Allele frequency attached by ClinVar (database versions not stated): TOPMed 0.00003; gnomAD 0.00017; gnomAD exomes 0.00027; ExAC 0.00064; 1000 Genomes Project 30x 0.00203; 1000 Genomes Project 0.00240.
gnomAD v4.1: 430 of 1,613,782 alleles (0.027%); highest among the groups gnomAD compares: South Asian, 0.44%; 3 homozygotes.

Submission:

PreventionGenetics, part of Exact Sciences
Classification: Likely benign for SF3B1-related condition. Last evaluated: 2019-04-25. Review status: no assertion criteria provided. Collection method: clinical testing. Allele origin: germline.
Comment: This variant is classified as likely benign based on ACMG/AMP sequence variant interpretation guidelines (Richards et al. 2015 PMID: 25741868, with internal and published modifications).